The following is an entry in ClinVar:

NM_201384.3(PLEC):c.4546G>A (p.Glu1516Lys)

Gene: PLEC (plectin; minus strand). Cytogenetic location: 8q24.3.
Variant type: single nucleotide variant.
Coding change: c.4546G>A on transcript NM_201384.3 (MANE Select); coding-DNA position 4546, G replaced by A.
Protein change: p.Glu1516Lys; replaces glutamic acid 1516 with lysine.
Molecular consequence: missense variant.
Genome position (GRCh38, 1-based): chr8:143,925,383, C>T on the plus strand (G>A on the coding strand, the complement: PLEC is on the minus strand). VCF-style: chr8-143925383-C-T. GRCh37 (hg19) VCF-style: chr8-144999551-C-T.
Other names: c.4627G>A, p.Glu1543Lys (NM_000445.5); c.4504G>A, p.Glu1502Lys (NM_201378.4); c.4480G>A, p.Glu1494Lys (NM_201379.3); c.4957G>A, p.Glu1653Lys (NM_201380.4); c.4450G>A, p.Glu1484Lys (NM_201381.3); c.4546G>A, p.Glu1516Lys (NM_201382.4); c.4558G>A, p.Glu1520Lys (NM_201383.3); short protein forms E1516K, E1543K, E1484K, E1520K, E1494K, E1502K, E1653K.
Identifiers: ClinVar variation 2143747 (VCV002143747.4), dbSNP rs910217897, ClinGen allele CA187616786.
Genomic context (GRCh38, chr8:143,925,383, plus strand): 5'-GCAGGGCCCGCTGCTTCTCGCGCGCCGCCTCGGCCTCGGCCTTCACGCGCGAGGCCAGCT[C>T]CACCTCCGCCTGCCGCTTACGCTGGCTCTCGTCCTGCACCTGCCTCCGCAAGCGCTCGGC-3'
Protein context (NP_958786.1, residues 1506-1526): ESQRKRQAEV[Glu1516Lys]LASRVKAEAE

ClinVar aggregate classification (germline): Uncertain significance (1 of 4 stars; one submission).

Conditions:
Epidermolysis bullosa simplex 5B, with muscular dystrophy (EBS5B). Also called: EPIDERMOLYSIS BULLOSA SIMPLEX AND LIMB-GIRDLE MUSCULAR DYSTROPHY; Epidermolysis bullosa simplex with muscular dystrophy. Identifiers: Orphanet 257, MedGen C2931072, MONDO:0009181, OMIM 226670.
Epidermolysis bullosa simplex, Ogna type (EBS5A). Also called: Pidermolysis bullosa simplex 5A, Ogna type; EPIDERMOLYSIS BULLOSA SIMPLEX 5A, OGNA TYPE. Identifiers: Orphanet 79401, MedGen C0432317, MONDO:0007555, OMIM 131950.
Epidermolysis bullosa simplex 5C, with pyloric atresia (EBS5C). Also called: PLEC-Related Epidermolysis Bullosa with Pyloric Atresia; Epidermolysis bullosa simplex with pyloric atresia; PLEC1-Related Epidermolysis Bullosa with Pyloric Atresia. Identifiers: Orphanet 158684, MedGen C2677349, MONDO:0012807, OMIM 612138.
Autosomal recessive limb-girdle muscular dystrophy type 2Q (LGMDR17). Also called: MUSCULAR DYSTROPHY, LIMB-GIRDLE, AUTOSOMAL RECESSIVE 17. Identifiers: Orphanet 254361, MedGen C3150989, MONDO:0013390, OMIM 613723.
Epidermolysis bullosa simplex with nail dystrophy (EBS5D). Identifiers: MedGen C4225309, MONDO:0014661, OMIM 616487.

Allele frequency attached by ClinVar (database versions not stated): gnomAD exomes below 0.00001.
gnomAD v4.1: 1 of 1,575,652 alleles (0.000063%); highest among the groups gnomAD compares: Non-Finnish European, 0.000086%; no homozygotes.

Submission:

Labcorp Genetics (formerly Invitae), Labcorp
Classification: Uncertain significance for Autosomal recessive limb-girdle muscular dystrophy type 2Q; Epidermolysis bullosa simplex, Ogna type; Epidermolysis bullosa simplex with nail dystrophy; Epidermolysis bullosa simplex 5C, with pyloric atresia; Epidermolysis bullosa simplex 5B, with muscular dystrophy. Last evaluated: 2024-10-20. Review status: criteria provided, single submitter. Criteria: Invitae Variant Classification Sherloc (09022015). Collection method: clinical testing. Allele origin: germline.
Comment: This sequence change replaces glutamic acid, which is acidic and polar, with lysine, which is basic and polar, at codon 1543 of the PLEC protein (p.Glu1543Lys). This variant is not present in population databases (gnomAD no frequency). This variant has not been reported in the literature in individuals affected with PLEC-related conditions. ClinVar contains an entry for this variant (Variation ID: 2143747). Experimental studies and prediction algorithms are not available or were not evaluated, and the functional significance of this variant is currently unknown. In summary, the available evidence is currently insufficient to determine the role of this variant in disease. Therefore, it has been classified as a Variant of Uncertain Significance.